The following is an entry in ClinVar:

NM_001370658.1(BTD):c.1346A>G (p.Asp449Gly)

Gene: BTD (biotinidase; plus strand). Cytogenetic location: 3p25.1.
Variant type: single nucleotide variant.
Coding change: c.1346A>G on transcript NM_001370658.1 (MANE Select); coding-DNA position 1346, A replaced by G.
Protein change: p.Asp449Gly; replaces aspartic acid 449 with glycine.
Molecular consequence: missense variant. On other transcripts: intron variant (8).
Genome position (GRCh38, 1-based): chr3:15,645,262, A>G. VCF-style: chr3-15645262-A-G. GRCh37 (hg19) VCF-style: chr3-15686769-A-G.
Other names: c.1346A>G, p.Asp449Gly (NM_001407377.1, NM_001407378.1, NM_001281723.4 and 16 more transcripts); c.1015+331A>G (NM_001370752.1, NM_001407379.1); c.399+3205A>G (NM_001370753.1, NM_001407400.1, NM_001407380.1 and 3 more transcripts); c.1406A>G (NM_000060.2); short protein forms D449G.
Identifiers: ClinVar variation 2074814 (VCV002074814.3), dbSNP rs369316343, ClinGen allele CA2277471.

ClinVar aggregate classification (germline): Conflicting classifications of pathogenicity. Review status: criteria provided, conflicting classifications (1 of 4 stars). 2 submissions from 2 submitters: Uncertain significance (1); Likely benign (1). Last evaluated 2025-12-08.

Conditions:
Biotinidase deficiency. Also called: Biotin deficiency; BTD deficiency; Late-onset biotin-responsive multiple carboxylase deficiency. Identifiers: Orphanet 79241, MedGen C0220754, MONDO:0009665, OMIM 253260.
Inborn genetic diseases. Identifiers: MedGen C0950123, MeSH D030342.

Allele frequency attached by ClinVar (database versions not stated): ExAC 0.00002; ESP Exome Variant Server 0.00008.
gnomAD v4.1: 49 of 1,614,068 alleles (0.003%); highest among the groups gnomAD compares: Non-Finnish European, 0.0042%; no homozygotes.

Submissions (2):

Labcorp Genetics (formerly Invitae), Labcorp
Classification: Uncertain significance for Biotinidase deficiency. Last evaluated: 2025-12-08. Review status: criteria provided, single submitter. Criteria: Invitae Variant Classification Sherloc (09022015). Collection method: clinical testing. Allele origin: germline.
Comment: This sequence change replaces aspartic acid, which is acidic and polar, with glycine, which is neutral and non-polar, at codon 469 of the BTD protein (p.Asp469Gly). This variant is present in population databases (rs369316343, gnomAD 0.005%). This variant has not been reported in the literature in individuals affected with BTD-related conditions. ClinVar contains an entry for this variant (Variation ID: 2074814). Invitae Evidence Modeling of protein sequence and biophysical properties (such as structural, functional, and spatial information, amino acid conservation, physicochemical variation, residue mobility, and thermodynamic stability) indicates that this missense variant is expected to disrupt BTD protein function with a positive predictive value of 95%. In summary, the available evidence is currently insufficient to determine the role of this variant in disease. Therefore, it has been classified as a Variant of Uncertain Significance.

Ambry Genetics
Classification: Likely benign for Inborn genetic diseases. Last evaluated: 2021-07-15. Review status: criteria provided, single submitter. Criteria: Ambry Variant Classification Scheme 2023. Collection method: clinical testing. Allele origin: germline.